The following is an entry in ClinVar:

ClinVar aggregate classification (germline): Uncertain significance (1 of 4 stars; one submission).

Conditions:
Norman-Roberts syndrome (LIS2). Also called: Lissencephaly 2 (Norman-Roberts type). Identifiers: Orphanet 89844, MedGen C0796089, MONDO:0009760, OMIM 257320.
Familial temporal lobe epilepsy 7. Identifiers: Orphanet 101046, MedGen C4225327, MONDO:0014639, OMIM 616436.

Submission:

Labcorp Genetics (formerly Invitae), Labcorp
Classification: Uncertain significance for Familial temporal lobe epilepsy 7; Norman-Roberts syndrome. Last evaluated: 2025-07-23. Review status: criteria provided, single submitter. Criteria: Invitae Variant Classification Sherloc (09022015). Collection method: clinical testing. Allele origin: germline.
Comment: This sequence change replaces glycine, which is neutral and non-polar, with aspartic acid, which is acidic and polar, at codon 370 of the RELN protein (p.Gly370Asp). This variant is not present in population databases (gnomAD no frequency). This variant has not been reported in the literature in individuals affected with RELN-related conditions. Invitae Evidence Modeling of protein sequence and biophysical properties (such as structural, functional, and spatial information, amino acid conservation, physicochemical variation, residue mobility, and thermodynamic stability) indicates that this missense variant is not expected to disrupt RELN protein function with a negative predictive value of 80%. In summary, the available evidence is currently insufficient to determine the role of this variant in disease. Therefore, it has been classified as a Variant of Uncertain Significance.

NM_005045.4(RELN):c.1109G>A (p.Gly370Asp)

Gene: RELN (reelin; minus strand). Cytogenetic location: 7q22.1.
Variant type: single nucleotide variant.
Coding change: c.1109G>A on transcript NM_005045.4 (MANE Select); coding-DNA position 1109, G replaced by A.
Protein change: p.Gly370Asp; replaces glycine 370 with aspartic acid.
Molecular consequence: missense variant.
Genome position (GRCh38, 1-based): chr7:103,697,887, C>T on the plus strand (G>A on the coding strand, the complement: RELN is on the minus strand). VCF-style: chr7-103697887-C-T. GRCh37 (hg19) VCF-style: chr7-103338334-C-T.
Other names: c.1109G>A, p.Gly370Asp (NM_173054.3); short protein forms G370D.
Identifiers: ClinVar variation 4782466 (VCV004782466.1).